The following is an entry in ClinVar:

NM_002890.3(RASA1):c.223G>C (p.Gly75Arg)

Gene: RASA1 (RAS p21 protein activator 1; plus strand). Cytogenetic location: 5q14.3.
Variant type: single nucleotide variant.
Coding change: c.223G>C on transcript NM_002890.3 (MANE Select); coding-DNA position 223, G replaced by C.
Protein change: p.Gly75Arg; replaces glycine 75 with arginine.
Molecular consequence: missense variant.
Genome position (GRCh38, 1-based): chr5:87,268,674, G>C. VCF-style: chr5-87268674-G-C. GRCh37 (hg19) VCF-style: chr5-86564491-G-C.
Other names: short protein forms G75R.
Identifiers: ClinVar variation 1402687 (VCV001402687.8), dbSNP rs1336430934, ClinGen allele CA360417008.

ClinVar aggregate classification (germline): Uncertain significance (1 of 4 stars; one submission).

Conditions:
Capillary malformation-arteriovenous malformation syndrome. Also called: Capillary malformation-arteriovenous malformation. Identifiers: Orphanet 137667, MedGen C1842180, MONDO:0012016.

Allele frequency attached by ClinVar (database versions not stated): gnomAD exomes below 0.00001.

Submission:

Labcorp Genetics (formerly Invitae), Labcorp
Classification: Uncertain significance for Capillary malformation-arteriovenous malformation syndrome. Last evaluated: 2024-11-06. Review status: criteria provided, single submitter. Criteria: Invitae Variant Classification Sherloc (09022015). Collection method: clinical testing. Allele origin: germline.
Comment: This sequence change replaces glycine, which is neutral and non-polar, with arginine, which is basic and polar, at codon 75 of the RASA1 protein (p.Gly75Arg). This variant is not present in population databases (gnomAD no frequency). This variant has not been reported in the literature in individuals affected with RASA1-related conditions. ClinVar contains an entry for this variant (Variation ID: 1402687). An algorithm developed to predict the effect of missense changes on protein structure and function (PolyPhen-2) suggests that this variant is likely to be disruptive. In summary, the available evidence is currently insufficient to determine the role of this variant in disease. Therefore, it has been classified as a Variant of Uncertain Significance.